The following is an entry in ClinVar:

ClinVar aggregate classification (germline): Uncertain significance. Review status: criteria provided, multiple submitters, no conflicts (2 of 4 stars). 2 submissions from 2 submitters: Uncertain significance (2). Last evaluated 2021-11-02.

Conditions:
Hypotonia, infantile, with psychomotor retardation and characteristic facies 2 (IHPRF2). Also called: UNC80 Deficiency. Identifiers: Orphanet 371364, Orphanet 700333, MedGen C4225203, MONDO:0014777, OMIM 616801.

Allele frequency attached by ClinVar (database versions not stated): TOPMed below 0.00001.

Submissions (2):

Labcorp Genetics (formerly Invitae), Labcorp
Classification: Uncertain significance. Last evaluated: 2021-11-02. Review status: criteria provided, single submitter. Criteria: Invitae Variant Classification Sherloc (09022015). Collection method: clinical testing. Allele origin: germline.
Comment: In summary, the available evidence is currently insufficient to determine the role of this variant in disease. Therefore, it has been classified as a Variant of Uncertain Significance. Algorithms developed to predict the effect of missense changes on protein structure and function are either unavailable or do not agree on the potential impact of this missense change (SIFT: "Not Available"; PolyPhen-2: "Probably Damaging"; Align-GVGD: "Not Available"). ClinVar contains an entry for this variant (Variation ID: 1032292). This variant has not been reported in the literature in individuals affected with UNC80-related conditions. This variant is not present in population databases (gnomAD no frequency). This sequence change replaces glutamic acid, which is acidic and polar, with glycine, which is neutral and non-polar, at codon 3226 of the UNC80 protein (p.Glu3226Gly).

Baylor Genetics
Classification: Uncertain significance for Hypotonia, infantile, with psychomotor retardation and characteristic facies 2. Last evaluated: 2018-03-19. Review status: criteria provided, single submitter. Criteria: ACMG Guidelines, 2015. Collection method: clinical testing. Allele origin: unknown. Affected: yes.
Comment: This variant was determined to be of uncertain significance according to ACMG Guidelines, 2015 [PMID:25741868].

NM_001371986.1(UNC80):c.9875A>G (p.Glu3292Gly)

Gene: UNC80 (unc-80 subunit of NALCN channel complex; plus strand). Cytogenetic location: 2q34.
Variant type: single nucleotide variant.
Coding change: c.9875A>G on transcript NM_001371986.1 (MANE Select); coding-DNA position 9875, A replaced by G.
Protein change: p.Glu3292Gly; replaces glutamic acid 3292 with glycine.
Molecular consequence: missense variant.
Genome position (GRCh38, 1-based): chr2:209,995,495, A>G. VCF-style: chr2-209995495-A-G. GRCh37 (hg19) VCF-style: chr2-210860219-A-G.
Other names: c.9677A>G, p.Glu3226Gly (NM_032504.2); c.9605A>G, p.Glu3202Gly (NM_182587.4); short protein forms E3202G, E3226G, E3292G.
Identifiers: ClinVar variation 1032292 (VCV001032292.5), dbSNP rs2093470142, ClinGen allele CA350416492.
Genomic context (GRCh38, chr2:209,995,495, plus strand): 5'-TCACAGGCCTCGAGACATCCAGCCTCCTACAGCATGGAGACACTGTCCTTCATATCAGTG[A>G]GGAAAATGGCATGGAGAACCCGCTACTATCTAGTCAGTTCACCTTTACTCCCACTGAGCT-3'
Protein context (NP_001358915.1, residues 3282-3302): QHGDTVLHIS[Glu3292Gly]ENGMENPLLS